The following is an entry in ClinVar:

ClinVar aggregate classification (germline): Uncertain significance (1 of 4 stars; one submission).

Conditions:
Hereditary nonpolyposis colorectal neoplasms. Identifiers: MedGen C0009405, MeSH D003123.

Submission:

Labcorp Genetics (formerly Invitae), Labcorp
Classification: Uncertain significance for Hereditary nonpolyposis colorectal neoplasms. Last evaluated: 2024-07-11. Review status: criteria provided, single submitter. Criteria: Invitae Variant Classification Sherloc (09022015). Collection method: clinical testing. Allele origin: germline.
Comment: This sequence change replaces glycine, which is neutral and non-polar, with arginine, which is basic and polar, at codon 50 of the PMS2 protein (p.Gly50Arg). This variant is not present in population databases (gnomAD no frequency). This variant has not been reported in the literature in individuals affected with PMS2-related conditions. Advanced modeling of protein sequence and biophysical properties (such as structural, functional, and spatial information, amino acid conservation, physicochemical variation, residue mobility, and thermodynamic stability) performed at Invitae indicates that this missense variant is expected to disrupt PMS2 protein function with a positive predictive value of 80%. In summary, the available evidence is currently insufficient to determine the role of this variant in disease. Therefore, it has been classified as a Variant of Uncertain Significance.

NM_000535.7(PMS2):c.148G>C (p.Gly50Arg)

Gene: PMS2 (PMS1 homolog 2, mismatch repair system component; minus strand). Cytogenetic location: 7p22.1.
Variant type: single nucleotide variant.
Coding change: c.148G>C on transcript NM_000535.7 (MANE Select); coding-DNA position 148, G replaced by C.
Protein change: p.Gly50Arg; replaces glycine 50 with arginine.
Molecular consequence: missense variant. On other transcripts: 5 prime UTR variant (38), non-coding transcript variant (1), intron variant (7).
Genome position (GRCh38, 1-based): chr7:6,005,907, C>G on the plus strand (G>C on the coding strand, the complement: PMS2 is on the minus strand). VCF-style: chr7-6005907-C-G. GRCh37 (hg19) VCF-style: chr7-6045538-C-G.
Other names: c.148G>C, p.Gly50Arg (NM_001406874.1, NM_001406884.1, NM_001406885.1 and 10 more transcripts); c.-337G>C (NM_001406875.1, NM_001406877.1, NM_001406878.1 and 2 more transcripts); c.-68G>C (NM_001406876.1, NM_001406883.1, NM_001406896.1 and 4 more transcripts); c.-284G>C (NM_001406880.1); c.-258G>C (NM_001406887.1, NM_001406891.1, NM_001406893.1 and 10 more transcripts); c.-205G>C (NM_001406888.1, NM_001406889.1, NM_001406892.1 and 5 more transcripts); c.-248G>C (NM_001406890.1); c.-234G>C (NM_001406900.1); and 7 more; short protein forms G112R, G50R.
Identifiers: ClinVar variation 3659183 (VCV003659183.2).